The following is an entry in ClinVar:

ClinVar aggregate classification (germline): Pathogenic (1 of 4 stars; one submission).

Conditions:
Developmental and epileptic encephalopathy, 25 (DEE25). Also called: Developmental and epileptic encephalopathy 25, with amelogenesis imperfecta; Epileptic encephalopathy, early infantile, 25, with amelogenesis imperfecta; Epileptic encephalopathy, early infantile, 25. Identifiers: Orphanet 442835, MedGen C4014621, MONDO:0014392, OMIM 615905.

Submission:

Labcorp Genetics (formerly Invitae), Labcorp
Classification: Pathogenic for Developmental and epileptic encephalopathy, 25. Last evaluated: 2026-02-02. Review status: criteria provided, single submitter. Criteria: Invitae Variant Classification Sherloc (09022015). Collection method: clinical testing. Allele origin: germline.
Comment: This sequence change affects an acceptor splice site in intron 7 of the SLC13A5 gene. It is expected to disrupt RNA splicing. Variants that disrupt the donor or acceptor splice site typically lead to a loss of protein function (PMID: 16199547), and loss-of-function variants in SLC13A5 are known to be pathogenic (PMID: 24995870, 26384929). This variant is not present in population databases (gnomAD no frequency). Disruption of this splice site has been observed in individual(s) with clinical features of SLC13A5-related conditions (internal data). It has also been observed to segregate with disease in related individuals. ClinVar contains an entry for this variant (Variation ID: 1352224). Algorithms developed to predict the effect of sequence changes on RNA splicing suggest that this variant may disrupt the consensus splice site. For these reasons, this variant has been classified as Pathogenic.

Literature cited by the submitters: PubMed 16199547; PubMed 24995870; PubMed 26384929.

NM_177550.5(SLC13A5):c.1056-1G>C

Gene: SLC13A5 (solute carrier family 13 member 5; minus strand). Cytogenetic location: 17p13.1.
Variant type: single nucleotide variant.
Coding change: c.1056-1G>C on transcript NM_177550.5 (MANE Select); the canonical splice acceptor site of the intron before coding-DNA position 1056, G replaced by C.
Molecular consequence: splice acceptor variant.
Genome position (GRCh38, 1-based): chr17:6,694,198, C>G on the plus strand (G>C on the coding strand, the complement: SLC13A5 is on the minus strand). VCF-style: chr17-6694198-C-G. GRCh37 (hg19) VCF-style: chr17-6597517-C-G.
Other names: c.927-1G>C (NM_001284510.2); c.1005-1G>C (NM_001284509.2); c.1056-1G>C (NM_001143838.3).
Identifiers: ClinVar variation 1352224 (VCV001352224.6), dbSNP rs113208940, ClinGen allele CA287386730.